The following is an entry in ClinVar:

ClinVar aggregate classification (germline): Uncertain significance (1 of 4 stars; one submission).

Submission:

GeneDx
Classification: Uncertain significance. Last evaluated: 2023-11-07. Review status: criteria provided, single submitter. Criteria: GeneDx Variant Classification Process June 2021. Collection method: clinical testing. Allele origin: germline. Affected: yes.
Comment: Has not been previously published as pathogenic or benign to our knowledge; Not observed at significant frequency in large population cohorts (gnomAD); In silico analysis supports that this missense variant does not alter protein structure/function; This variant is associated with the following publications: (PMID: 22696272)

NM_000093.5(COL5A1):c.4944C>A (p.Asp1648Glu)

Genes: COL5A1 (collagen type V alpha 1 chain; plus strand), LOC101448202 (uncharacterized LOC101448202; minus strand). Cytogenetic location: 9q34.3.
Variant type: single nucleotide variant.
Coding change: c.4944C>A on transcript NM_000093.5 (MANE Select); coding-DNA position 4944, C replaced by A.
Protein change: p.Asp1648Glu; replaces aspartic acid 1648 with glutamic acid.
Molecular consequence: missense variant.
Genome position (GRCh38, 1-based): chr9:134,824,845, C>A. VCF-style: chr9-134824845-C-A. GRCh37 (hg19) VCF-style: chr9-137716691-C-A.
Other names: c.4944C>A, p.Asp1648Glu (NM_001278074.1); short protein forms D1648E.
Identifiers: ClinVar variation 3363802 (VCV003363802.1).